The following is an entry in ClinVar:

NM_000057.4(BLM):c.1592A>C (p.Lys531Thr)

Gene: BLM (BLM RecQ like helicase; plus strand). Cytogenetic location: 15q26.1.
Variant type: single nucleotide variant.
Coding change: c.1592A>C on transcript NM_000057.4 (MANE Select); coding-DNA position 1592, A replaced by C.
Protein change: p.Lys531Thr; replaces lysine 531 with threonine.
Molecular consequence: missense variant.
Genome position (GRCh38, 1-based): chr15:90,760,965, A>C. VCF-style: chr15-90760965-A-C. GRCh37 (hg19) VCF-style: chr15-91304195-A-C.
Other names: c.1592A>C, p.Lys531Thr (NM_001287246.2, NM_001287247.2); c.467A>C, p.Lys156Thr (NM_001287248.2); c.1592A>C (NM_000057.2); short protein forms K531T, K156T.
Identifiers: ClinVar variation 966531 (VCV000966531.13), dbSNP rs1895966276, ClinGen allele CA393843397.

ClinVar aggregate classification (germline): Uncertain significance. Review status: criteria provided, multiple submitters, no conflicts (2 of 4 stars). 3 submissions from 3 submitters: Uncertain significance (3). Last evaluated 2025-11-10.

Conditions:
Hereditary cancer-predisposing syndrome. Also called: Hereditary neoplastic syndrome; Neoplastic Syndromes, Hereditary; Hereditary Cancer Syndrome; Tumor predisposition. Identifiers: Orphanet 140162, MedGen C0027672, MeSH D009386, MONDO:0015356.
Bloom syndrome (BLM). Also called: Bloom-Torre-Machacek syndrome. Identifiers: Orphanet 125, MedGen C0005859, MONDO:0008876, OMIM 210900.

Submissions (3):

Labcorp Genetics (formerly Invitae), Labcorp
Classification: Uncertain significance for Bloom syndrome. Last evaluated: 2025-11-10. Review status: criteria provided, single submitter. Criteria: Invitae Variant Classification Sherloc (09022015). Collection method: clinical testing. Allele origin: germline.
Comment: This sequence change replaces lysine, which is basic and polar, with threonine, which is neutral and polar, at codon 531 of the BLM protein (p.Lys531Thr). This variant is not present in population databases (gnomAD no frequency). This variant has not been reported in the literature in individuals affected with BLM-related conditions. ClinVar contains an entry for this variant (Variation ID: 966531). Invitae Evidence Modeling of protein sequence and biophysical properties (such as structural, functional, and spatial information, amino acid conservation, physicochemical variation, residue mobility, and thermodynamic stability) indicates that this missense variant is not expected to disrupt BLM protein function with a negative predictive value of 80%. In summary, the available evidence is currently insufficient to determine the role of this variant in disease. Therefore, it has been classified as a Variant of Uncertain Significance.

Women's Health and Genetics/Laboratory Corporation of America, LabCorp
Classification: Uncertain significance. Last evaluated: 2023-12-23. Review status: criteria provided, single submitter. Criteria: LabCorp Variant Classification Summary - May 2015. Collection method: clinical testing. Allele origin: germline.

Ambry Genetics
Classification: Uncertain significance for Hereditary cancer-predisposing syndrome. Last evaluated: 2023-08-03. Review status: criteria provided, single submitter. Criteria: Ambry Variant Classification Scheme 2023. Collection method: clinical testing. Allele origin: germline.
Comment: The p.K531T variant (also known as c.1592A>C), located in coding exon 6 of the BLM gene, results from an A to C substitution at nucleotide position 1592. The lysine at codon 531 is replaced by threonine, an amino acid with similar properties. This amino acid position is conserved. In addition, this alteration is predicted to be tolerated by in silico analysis. Since supporting evidence is limited at this time, the clinical significance of this alteration remains unclear.